The following is an entry in ClinVar:

NM_002661.5(PLCG2):c.1306G>A (p.Ala436Thr)

Gene: PLCG2 (phospholipase C gamma 2; plus strand). Cytogenetic location: 16q23.3.
Variant type: single nucleotide variant.
Coding change: c.1306G>A on transcript NM_002661.5 (MANE Select); coding-DNA position 1306, G replaced by A.
Protein change: p.Ala436Thr; replaces alanine 436 with threonine.
Molecular consequence: missense variant.
Genome position (GRCh38, 1-based): chr16:81,900,724, G>A. VCF-style: chr16-81900724-G-A. GRCh37 (hg19) VCF-style: chr16-81934329-G-A.
Other names: short protein forms A436T.
Identifiers: ClinVar variation 1496224 (VCV001496224.7), dbSNP rs1225918799, ClinGen allele CA396899434.

ClinVar aggregate classification (germline): Uncertain significance. Review status: criteria provided, multiple submitters, no conflicts (2 of 4 stars). 2 submissions from 2 submitters: Uncertain significance (2). Last evaluated 2022-01-07.

Conditions:
Familial cold autoinflammatory syndrome 3 (FCAS3). Also called: FAMILIAL ATYPICAL COLD URTICARIA; ANTIBODY DEFICIENCY AND IMMUNE DYSREGULATION, PLCG2-ASSOCIATED. Identifiers: Orphanet 300359, MedGen C3280914, MONDO:0013766, OMIM 614468.
Autoinflammation-PLCG2-associated antibody deficiency-immune dysregulation. Also called: AUTOINFLAMMATION, ANTIBODY DEFICIENCY, AND IMMUNE DYSREGULATION; Autoinflammation, antibody deficiency, and immune dysregulation syndrome; Autoinflammation, antibody deficiency, and immune dysregulation, plcg2-associated. Identifiers: Orphanet 324530, MedGen C3553961, MONDO:0013944, OMIM 614878.

Allele frequency attached by ClinVar (database versions not stated): gnomAD exomes below 0.00001; gnomAD 0.00001; TOPMed 0.00001.
gnomAD v4.1: 3 of 1,612,902 alleles (0.00019%); highest among the groups gnomAD compares: Non-Finnish European, 0.00025%; no homozygotes.

Submissions (2):

Fulgent Genetics
Classification: Uncertain significance for Familial cold autoinflammatory syndrome 3; Autoinflammation-PLCG2-associated antibody deficiency-immune dysregulation. Last evaluated: 2022-01-07. Review status: criteria provided, single submitter. Criteria: ACMG Guidelines, 2015. Collection method: clinical testing. Allele origin: unknown.

Labcorp Genetics (formerly Invitae), Labcorp
Classification: Uncertain significance for Familial cold autoinflammatory syndrome 3. Last evaluated: 2021-11-03. Review status: criteria provided, single submitter. Criteria: Invitae Variant Classification Sherloc (09022015). Collection method: clinical testing. Allele origin: germline.
Comment: This variant is present in population databases (no rsID available, gnomAD 0.0009%). In summary, the available evidence is currently insufficient to determine the role of this variant in disease. Therefore, it has been classified as a Variant of Uncertain Significance. Algorithms developed to predict the effect of missense changes on protein structure and function (SIFT, PolyPhen-2, Align-GVGD) all suggest that this variant is likely to be tolerated. This variant has not been reported in the literature in individuals affected with PLCG2-related conditions. This sequence change replaces alanine, which is neutral and non-polar, with threonine, which is neutral and polar, at codon 436 of the PLCG2 protein (p.Ala436Thr).